The following is an entry in ClinVar:

ClinVar aggregate classification (germline): Pathogenic/Likely pathogenic. Review status: criteria provided, multiple submitters, no conflicts (2 of 4 stars). 3 submissions from 3 submitters: Pathogenic (2); Likely pathogenic (1). Last evaluated 2026-08-06.

Conditions:
Familial cancer of breast. Also called: BREAST CANCER, FAMILIAL; Hereditary breast cancer; hereditary breast carcinoma. Identifiers: Orphanet 227535, MedGen C0346153, MONDO:0016419, OMIM 114480. Disease mechanism: loss of function.
Breast-ovarian cancer, familial, susceptibility to, 1 (BROVCA1). Also called: BRCA1 Hereditary Breast and Ovarian Cancer; OVARIAN CANCER, SUSCEPTIBILITY TO. Identifiers: Orphanet 145, MedGen C2676676, MONDO:0011450, OMIM 604370. Disease mechanism: loss of function.

Submissions (3):

OLLIN Analises Genomicas, OLLIN
Classification: Likely pathogenic for Breast-ovarian cancer, familial, susceptibility to, 1. Last evaluated: 2026-08-06. Review status: criteria provided, single submitter. Criteria: ACMG Guidelines 2015 PMID 25741868. Collection method: clinical testing. Allele origin: germline. Inheritance: Autosomal recessive inheritance.
Comment: This frameshift variant, located in exon 10 (of 23), is absent from gnomAD and has not been identified in the literature. However, it has been reported in ClinVar (accession VCV001685580.3). This variant causes a frameshift and introduces a premature stop codon, which is predicted to result in either a truncated protein or degradation of the mRNA via nonsense-mediated decay (NMD). According to the currently available evidence, this variant has been classified as likely pathogenic (PVS1, PM2_P).

Myriad Genetics, Inc.
Classification: Pathogenic for Breast-ovarian cancer, familial, susceptibility to, 1. Last evaluated: 2023-01-10. Review status: criteria provided, single submitter. Criteria: Myriad Autosomal Dominant, Autosomal Recessive and X-Linked Classification Criteria (2023). Collection method: clinical testing. Allele origin: unknown.
Comment: This variant is considered pathogenic. This variant creates a frameshift predicted to result in premature protein truncation.

Mendelics
Classification: Pathogenic for Familial cancer of breast. Last evaluated: 2022-05-04. Review status: criteria provided, single submitter. Criteria: Mendelics Assertion Criteria 2019. Collection method: clinical testing. Allele origin: germline.

NM_007294.4(BRCA1):c.2683del (p.Gln895fs)

Gene: BRCA1 (BRCA1 DNA repair associated; minus strand). Cytogenetic location: 17q21.31.
Variant type: Deletion.
Coding change: c.2683del on transcript NM_007294.4 (MANE Select); coding-DNA position 2683, one base deleted (C; older notation c.2683delC).
Protein change: p.Gln895fs; shifts the reading frame from glutamine 895.
Molecular consequence: frameshift variant. On other transcripts: intron variant (137).
Genome position (GRCh38, 1-based): chr17:43,092,848, G deleted on the plus strand (C on the coding strand, the reverse complement: BRCA1 is on the minus strand). VCF-style (leftmost placement, unchanged base first): chr17-43092847-TG-T. GRCh37 (hg19) VCF-style: chr17-41244864-TG-T.
Other names: c.779-1816del (NM_001408408.1); c.662-1816del (NM_001408446.1, NM_001408435.1, NM_001408448.1 and 6 more transcripts); c.785-1816del (NM_001408401.1, NM_001408396.1, NM_001407985.1 and 13 more transcripts); c.548-1816del (NM_001408494.1); c.665-1816del (NM_001408444.1, NM_001408438.1, NM_001408430.1 and 12 more transcripts); c.671-1816del (NM_001408423.1, NM_001408420.1, NM_001408419.1 and 2 more transcripts); c.788-1816del (NM_001408404.1, NM_001408472.1, NM_001407990.1 and 17 more transcripts); c.788-709del (NM_001407969.1, NM_001407968.1); and 41 more; short protein forms Q848fs, Q895fs, Q727fs, Q768fs, Q807fs, Q806fs, Q828fs, Q869fs.
Identifiers: ClinVar variation 1685580 (VCV001685580.4), dbSNP rs2154364983, ClinGen allele CA2573154008.